The following is an entry in ClinVar:

ClinVar aggregate classification (germline): Conflicting classifications of pathogenicity. Review status: criteria provided, conflicting classifications (1 of 4 stars). 15 submissions from 15 submitters: Uncertain significance (8); Likely benign (5). 2 of the submissions do not count toward it. Last evaluated 2026-01-19.

Conditions:
RAD51D-related disorder. Also called: RAD51D-related condition.
Hereditary cancer-predisposing syndrome. Also called: Neoplastic Syndromes, Hereditary; Tumor predisposition; Hereditary neoplastic syndrome; Hereditary Cancer Syndrome. Identifiers: Orphanet 140162, MedGen C0027672, MeSH D009386, MONDO:0015356.
Hereditary breast ovarian cancer syndrome. Also called: Hereditary breast and/or ovarian cancer syndrome; Hereditary breast and ovarian cancer syndrome; Hereditary breast and ovarian cancer; Hereditary breast and ovarian cancer syndrome (HBOC); Breast and ovarian cancer; BRCA1- and BRCA2-Associated Hereditary Breast and Ovarian Cancer. Identifiers: Orphanet 145, MedGen C0677776, MeSH D061325, MONDO:0003582. Disease mechanism: loss of function.
Breast-ovarian cancer, familial, susceptibility to, 4. Identifiers: Orphanet 145, MedGen C3280345, MONDO:0013669, OMIM 614291.
Malignant tumor of breast. Also called: Malignant breast neoplasm; Cancer breast. Identifiers: MedGen C0006142, MONDO:0007254. Disease mechanism: loss of function.

Allele frequency attached by ClinVar (database versions not stated): gnomAD exomes 0.00004 and 0.00007; ExAC 0.00007; gnomAD 0.00007 and 0.00009; ESP Exome Variant Server 0.00008; TOPMed 0.00011; 1000 Genomes Project 0.00040; 1000 Genomes Project 30x 0.00047.
gnomAD v4.1: 72 of 1,614,046 alleles (0.0045%); highest among the groups gnomAD compares: Middle Eastern, 0.05%; no homozygotes.

Submissions 1 to 11 of 15:

Labcorp Genetics (formerly Invitae), Labcorp
Classification: Uncertain significance for Breast-ovarian cancer, familial, susceptibility to, 4. Last evaluated: 2026-01-19. Review status: criteria provided, single submitter. Criteria: Invitae Variant Classification Sherloc (09022015). Collection method: clinical testing. Allele origin: germline.
Comment: This sequence change replaces valine, which is neutral and non-polar, with isoleucine, which is neutral and non-polar, at codon 132 of the RAD51D protein (p.Val132Ile). This variant is present in population databases (rs201141245, gnomAD 0.02%). This missense change has been observed in individual(s) with breast and/or ovarian cancer and gastric cancer (PMID: 23372765, 26261251, 27616075, 32426482). ClinVar contains an entry for this variant (Variation ID: 185178). Invitae Evidence Modeling of protein sequence and biophysical properties (such as structural, functional, and spatial information, amino acid conservation, physicochemical variation, residue mobility, and thermodynamic stability) indicates that this missense variant is not expected to disrupt RAD51D protein function with a negative predictive value of 80%. In summary, the available evidence is currently insufficient to determine the role of this variant in disease. Therefore, it has been classified as a Variant of Uncertain Significance.

PreventionGenetics, part of Exact Sciences
Classification: Uncertain significance for RAD51D-related condition. Last evaluated: 2025-12-19. Review status: criteria provided, single submitter. Criteria: ACMG Guidelines, 2015. Collection method: clinical testing. Allele origin: germline.
Comment: The RAD51D c.394G>A variant is predicted to result in the amino acid substitution p.Val132Ile. This variant has been observed in individuals with breast and ovarian cancer, but no familial segregation or functional studies have confirmed its pathogenicity (Thompson et al. 2013. PubMed ID: 23372765; Table A4, Song et al. 2015. PubMed ID: 26261251; Table S4, Kraus et al. 2017. PubMed ID: 27616075; Tsaousis et al. 2019. PubMed ID: 31159747; Tsai et al. 2019. PubMed ID: 30374176). This variant is reported in 0.024% of alleles in individuals of African descent in gnomAD and has conflicting interpretations regarding its pathogenicity in ClinVar, ranging from likely benign to uncertain significance (Variation ID: 185178). Although we suspect that this variant may be benign, at this time, the clinical significance of this variant is uncertain due to the absence of conclusive functional and genetic evidence.

Quest Diagnostics Nichols Institute San Juan Capistrano
Classification: Uncertain significance. Last evaluated: 2025-07-11. Review status: criteria provided, single submitter. Criteria: Quest Diagnostics criteria. Collection method: clinical testing. Allele origin: unknown.
Comment: The RAD51D c.394G>A (p.Val132Ile) variant has been reported in the published literature in individuals and families with breast and/or ovarian cancer (PMIDs: 23372765 (2013), 26261251 (2015), 27616075 (2016)). In a large scale breast cancer association study, this variant has been observed in breast cancer cases as well as reportedly unaffected individuals (PMID: 33471991 (2021), see also LOVD). The frequency of this variant in the general population (Genome Aggregation Database) is uninformative in the assessment of its pathogenicity. Analysis of this variant using bioinformatics tools for the prediction of the effect of amino acid changes on protein structure and function yielded predictions that this variant is benign. Based on the available information, we are unable to determine the clinical significance of this variant.

Myriad Genetics, Inc.
Classification: Likely benign for Breast-ovarian cancer, familial, susceptibility to, 4. Last evaluated: 2024-12-13. Review status: criteria provided, single submitter. Criteria: Myriad Autosomal Dominant, Autosomal Recessive and X-Linked Classification Criteria (2023). Collection method: clinical testing. Allele origin: unknown.
Comment: This variant is considered likely benign. This variant is strongly associated with less severe personal and family histories of cancer, typical for individuals without pathogenic variants in this gene [PMID: 25085752].

Color Diagnostics, LLC DBA Color Health
Classification: Likely benign for Hereditary cancer-predisposing syndrome. Last evaluated: 2024-09-19. Review status: criteria provided, single submitter. Criteria: ACMG Guidelines, 2015. Collection method: clinical testing. Allele origin: germline.

German Consortium for Hereditary Breast and Ovarian Cancer, University Hospital Cologne
Classification: Likely benign for Hereditary breast ovarian cancer syndrome. Last evaluated: 2024-05-13. Review status: criteria provided, single submitter. Criteria: ACMG Guidelines, 2015. Collection method: curation. Allele origin: germline.
Comment: According to the ACMG SVI adaptation criteria we chose these criteria: BP4 (supporting benign): REVEL Score: 0.229, BS1 (strong benign): TAF: 0.00005963 (gnomad 2.1, non-cancer)

Baylor Genetics
Classification: Uncertain significance for Breast-ovarian cancer, familial, susceptibility to, 4. Last evaluated: 2024-03-15. Review status: criteria provided, single submitter. Criteria: ACMG Guidelines, 2015. Collection method: clinical testing. Allele origin: unknown.

GeneDx
Classification: Uncertain significance. Last evaluated: 2024-02-02. Review status: criteria provided, single submitter. Criteria: GeneDx Variant Classification Process June 2021. Collection method: clinical testing. Allele origin: germline. Affected: yes.
Comment: In silico analysis supports that this missense variant does not alter protein structure/function; Observed in individuals with personal and/or family history of breast or ovarian cancer and also in unaffected controls (PMID: 23372765, 26261251, 27616075, 30374176, 33471991, 35534704); This variant is associated with the following publications: (PMID: 23372765, 26261251, 27616075, 30374176, 29300386, 31159747, 32426482, 33471991, Giacomazzi2022[preprint], 14704354, 19327148, 21111057, 36243179, 35534704)

Sema4
Classification: Uncertain significance for Hereditary cancer-predisposing syndrome. Last evaluated: 2022-01-10. Review status: criteria provided, single submitter. Criteria: Sema4 Curation Guidelines. Collection method: curation. Allele origin: germline.
Comment: The RAD51D c.394G>A (p.V132I) variant has been reported in heterozygosity in multiple individuals with breast, ovarian, or gastric cancer (PMID: 27616075, 30374176, 31159747, 32426482, 23372765, 26261251). However, in a large case-control study of breast cancer, the variant was not enriched in cases compared with controls (PMID: 33471991). This variant was observed in 6/24958 chromosomes in the African population according to the Genome Aggregation Database (PMID: 32461654) and has been reported in ClinVar (Variation ID: 185178). In silico tools suggest the impact of the variant on protein function is inconclusive, though these predictions have not been confirmed by functional studies. The overall evidence is inconsistent with ACMG/AMP requirements for a classification of benign or pathogenic. In summary, the clinical significance of this variant is currently uncertain.

Ambry Genetics
Classification: Likely benign for Hereditary cancer-predisposing syndrome. Last evaluated: 2018-08-06. Review status: criteria provided, single submitter. Criteria: Ambry Variant Classification Scheme 2023. Collection method: clinical testing. Allele origin: germline.

GeneKor MSA
Classification: Uncertain significance for Hereditary cancer-predisposing syndrome. Last evaluated: 2018-08-01. Review status: criteria provided, single submitter. Criteria: ACMG Guidelines, 2015. Collection method: clinical testing. Allele origin: germline. Affected: yes.

NM_002878.4(RAD51D):c.394G>A (p.Val132Ile)

Genes: RAD51D (RAD51 paralog D; minus strand), RAD51L3-RFFL (RAD51L3-RFFL readthrough; minus strand). Cytogenetic location: 17q12.
Variant type: single nucleotide variant.
Coding change: c.394G>A on transcript NM_002878.4 (MANE Select); coding-DNA position 394, G replaced by A.
Protein change: p.Val132Ile; replaces valine 132 with isoleucine.
Molecular consequence: missense variant. On other transcripts: non-coding transcript variant (1), intron variant (1).
Genome position (GRCh38, 1-based): chr17:35,107,074, C>T on the plus strand (G>A on the coding strand, the complement: RAD51D is on the minus strand). VCF-style: chr17-35107074-C-T. GRCh37 (hg19) VCF-style: chr17-33434093-C-T.
Other names: c.454G>A, p.Val152Ile (NM_001142571.2); c.145-593G>A (NM_133629.3); short protein forms V132I, V152I.
Identifiers: ClinVar variation 185178 (VCV000185178.52), dbSNP rs201141245, ClinGen allele CA191240.